The following is an entry in ClinVar:

NM_012210.4(TRIM32):c.798T>G (p.Thr266=)

Genes: ASTN2 (astrotactin 2; minus strand), TRIM32 (tripartite motif containing 32; plus strand). Cytogenetic location: 9q33.1.
Variant type: single nucleotide variant.
Coding change: c.798T>G on transcript NM_012210.4 (MANE Select); coding-DNA position 798, T replaced by G.
Protein change: p.Thr266=; no amino-acid change (threonine 266 retained).
Molecular consequence: synonymous variant. On other transcripts: intron variant (3).
Genome position (GRCh38, 1-based): chr9:116,698,540, T>G. VCF-style: chr9-116698540-T-G. GRCh37 (hg19) VCF-style: chr9-119460819-T-G.
Other names: c.2653+27231A>C (NM_014010.5); c.2794+27231A>C (NM_001365069.1); c.2806+27231A>C (NM_001365068.1); c.798T>G, p.Thr266= (NM_001099679.2, NM_001379048.1, NM_001379049.1 and 1 more transcripts).
Identifiers: ClinVar variation 764467 (VCV000764467.10), dbSNP rs1588216749, ClinGen allele CA466916318.

ClinVar aggregate classification (germline): Likely benign. Review status: criteria provided, multiple submitters, no conflicts (2 of 4 stars). 2 submissions from 2 submitters: Likely benign (2). Last evaluated 2025-11-06.

Conditions:
TRIM32-related disorder. Also called: TRIM32-related condition.
Bardet-Biedl syndrome (BBS). Identifiers: Orphanet 110, MedGen C0752166, MONDO:0015229.

Allele frequency attached by ClinVar (database versions not stated): gnomAD exomes below 0.00001.
gnomAD v4.1: 1 of 1,613,926 alleles (0.000062%); highest among the groups gnomAD compares: Non-Finnish European, 0.000085%; no homozygotes.

Submissions (2):

PreventionGenetics, part of Exact Sciences
Classification: Likely benign for TRIM32-related condition. Last evaluated: 2025-11-06. Review status: criteria provided, single submitter. Criteria: ACMG Guidelines, 2015. Collection method: clinical testing. Allele origin: germline.
Comment: This variant is classified as likely benign based on ACMG/AMP sequence variant interpretation guidelines (Richards et al. 2015 PMID: 25741868, with internal and published modifications).

Labcorp Genetics (formerly Invitae), Labcorp
Classification: Likely benign for Bardet-Biedl syndrome. Last evaluated: 2023-10-15. Review status: criteria provided, single submitter. Criteria: Invitae Variant Classification Sherloc (09022015). Collection method: clinical testing. Allele origin: germline.